The following is an entry in ClinVar:

NM_005045.4(RELN):c.3755T>C (p.Met1252Thr)

Gene: RELN (reelin; minus strand). Cytogenetic location: 7q22.1.
Variant type: single nucleotide variant.
Coding change: c.3755T>C on transcript NM_005045.4 (MANE Select); coding-DNA position 3755, T replaced by C.
Protein change: p.Met1252Thr; replaces methionine 1252 with threonine.
Molecular consequence: missense variant.
Genome position (GRCh38, 1-based): chr7:103,593,839, A>G on the plus strand (T>C on the coding strand, the complement: RELN is on the minus strand). VCF-style: chr7-103593839-A-G. GRCh37 (hg19) VCF-style: chr7-103234286-A-G.
Other names: c.3755T>C, p.Met1252Thr (NM_173054.3); short protein forms M1252T.
Identifiers: ClinVar variation 2657899 (VCV002657899.27), dbSNP rs1831476620, ClinGen allele CA368757736.

ClinVar aggregate classification (germline): Uncertain significance. Review status: criteria provided, multiple submitters, no conflicts (2 of 4 stars). 2 submissions from 2 submitters: Uncertain significance (2). Last evaluated 2023-10-01.

Conditions:
Norman-Roberts syndrome (LIS2). Also called: Lissencephaly 2 (Norman-Roberts type). Identifiers: Orphanet 89844, MedGen C0796089, MONDO:0009760, OMIM 257320.
Familial temporal lobe epilepsy 7. Identifiers: Orphanet 101046, MedGen C4225327, MONDO:0014639, OMIM 616436.

Allele frequency attached by ClinVar (database versions not stated): gnomAD exomes below 0.00001; gnomAD 0.00001.

Submissions (2):

CeGaT Center for Human Genetics Tuebingen
Classification: Uncertain significance. Last evaluated: 2023-10-01. Review status: criteria provided, single submitter. Criteria: CeGaT Center For Human Genetics Tuebingen Variant Classification Criteria Version 2. Collection method: clinical testing. Allele origin: germline. Affected: yes. Observed: 1 variant allele.

Labcorp Genetics (formerly Invitae), Labcorp
Classification: Uncertain significance for Familial temporal lobe epilepsy 7; Norman-Roberts syndrome. Last evaluated: 2023-01-30. Review status: criteria provided, single submitter. Criteria: Invitae Variant Classification Sherloc (09022015). Collection method: clinical testing. Allele origin: germline.
Comment: In summary, the available evidence is currently insufficient to determine the role of this variant in disease. Therefore, it has been classified as a Variant of Uncertain Significance. Advanced modeling of protein sequence and biophysical properties (such as structural, functional, and spatial information, amino acid conservation, physicochemical variation, residue mobility, and thermodynamic stability) performed at Invitae indicates that this missense variant is not expected to disrupt RELN protein function. This variant has not been reported in the literature in individuals affected with RELN-related conditions. This variant is not present in population databases (gnomAD no frequency). This sequence change replaces methionine, which is neutral and non-polar, with threonine, which is neutral and polar, at codon 1252 of the RELN protein (p.Met1252Thr).